The following is an entry in ClinVar:

ClinVar aggregate classification (germline): Conflicting classifications of pathogenicity. Review status: criteria provided, conflicting classifications (1 of 4 stars). 3 submissions from 3 submitters: Uncertain significance (2); Benign (1). Last evaluated 2026-02-05.

Conditions:
Primary ciliary dyskinesia. Also called: Ciliary dyskinesia. Identifiers: Orphanet 244, MedGen C0008780, MONDO:0016575, HP:0012265.
Primary ciliary dyskinesia 7. Also called: CILIARY DYSKINESIA, PRIMARY, 7, WITH OR WITHOUT SITUS INVERSUS. Identifiers: Orphanet 244, MedGen C2678473, MONDO:0012748, OMIM 611884.

Allele frequency attached by ClinVar (database versions not stated): ExAC 0.00002.
gnomAD v4.1: 7 of 1,613,652 alleles (0.00043%); highest among the groups gnomAD compares: Middle Eastern, 0.017%; no homozygotes.

Submissions (3):

Clinical Genetics and Genomics, Karolinska University Hospital
Classification: Uncertain significance for Primary ciliary dyskinesia 7. Last evaluated: 2026-02-05. Review status: criteria provided, single submitter. Criteria: ACMG Guidelines, 2015. Collection method: clinical testing. Allele origin: germline. Inheritance: Autosomal recessive inheritance. Affected: yes.

Broad Center for Mendelian Genomics, Broad Institute of MIT and Harvard
Classification: Uncertain significance for Primary ciliary dyskinesia 7. Last evaluated: 2025-02-10. Review status: criteria provided, single submitter. Criteria: ACMG Guidelines, 2015. Collection method: curation. Allele origin: germline. Inheritance: Autosomal recessive inheritance.
Comment: The p.Ile371Met variant in DNAH11 has been reported in at least 1 individual with primary ciliary dyskinesia (PMID: 33726816), and has been identified in 0.002% (1/44868) of East Asian chromosomes by the Genome Aggregation Database (gnomAD; dbSNP rs764398699). Although this variant has been seen in the general population in a heterozygous state, its frequency is low enough to be consistent with a recessive carrier frequency. This variant has also been reported in ClinVar (Variation ID: 3007798) and has been interpreted as benign by Invitae. Computational prediction tools and conservation analyses do not provide strong support for or against an impact to the protein. In summary, the clinical significance of the p.Ile371Met variant is uncertain. ACMG/AMP Criteria applied: PM2_supporting (Richards 2015).

Labcorp Genetics (formerly Invitae), Labcorp
Classification: Benign for Primary ciliary dyskinesia. Last evaluated: 2023-05-01. Review status: criteria provided, single submitter. Criteria: Invitae Variant Classification Sherloc (09022015). Collection method: clinical testing. Allele origin: germline.

NM_001277115.2(DNAH11):c.1113C>G (p.Ile371Met)

Gene: DNAH11 (dynein axonemal heavy chain 11; plus strand). Cytogenetic location: 7p15.3.
Variant type: single nucleotide variant.
Coding change: c.1113C>G on transcript NM_001277115.2 (MANE Select); coding-DNA position 1113, C replaced by G.
Protein change: p.Ile371Met; replaces isoleucine 371 with methionine.
Molecular consequence: missense variant.
Genome position (GRCh38, 1-based): chr7:21,564,316, C>G. VCF-style: chr7-21564316-C-G. GRCh37 (hg19) VCF-style: chr7-21603934-C-G.
Other names: NM_001277115.2:c.1113C>G; c.1113C>G, p.Ile371Met (NM_003777.3); short protein forms I371M.
Identifiers: ClinVar variation 3007798 (VCV003007798.5), dbSNP rs764398699, ClinGen allele CA4178902.